The following is an entry in ClinVar:

NM_001384140.1(PCDH15):c.2047C>G (p.Arg683Gly)

Gene: PCDH15 (protocadherin related 15; minus strand). Cytogenetic location: 10q21.1.
Variant type: single nucleotide variant.
Coding change: c.2047C>G on transcript NM_001384140.1 (MANE Select); coding-DNA position 2047, C replaced by G.
Protein change: p.Arg683Gly; replaces arginine 683 with glycine.
Molecular consequence: missense variant.
Genome position (GRCh38, 1-based): chr10:54,079,375, G>C on the plus strand (C>G on the coding strand, the complement: PCDH15 is on the minus strand). VCF-style: chr10-54079375-G-C. GRCh37 (hg19) VCF-style: chr10-55839135-G-C.
Other names: c.2062C>G, p.Arg688Gly (NM_001142763.2, NM_001142771.2); c.2047C>G, p.Arg683Gly (NM_001142764.2, NM_001142766.2, NM_001142770.3 and 5 more transcripts); c.1834C>G, p.Arg612Gly (NM_001142765.2); c.1936C>G, p.Arg646Gly (NM_001142767.2); c.1981C>G, p.Arg661Gly (NM_001142768.2, NM_001142773.2, NM_001354404.2); c.2083C>G, p.Arg695Gly (NM_001142769.4); c.2068C>G, p.Arg690Gly (NM_001354411.2); short protein forms R612G, R646G, R661G, R683G, R688G, R690G, R695G.
Identifiers: ClinVar variation 3764273 (VCV003764273.1).

ClinVar aggregate classification (germline): Uncertain significance (1 of 4 stars; one submission).

gnomAD v4.1: 7 of 1,613,938 alleles (0.00043%); highest among the groups gnomAD compares: Non-Finnish European, 0.00059%; no homozygotes.

Submission:

GeneDx
Classification: Uncertain significance. Last evaluated: 2024-08-22. Review status: criteria provided, single submitter. Criteria: GeneDx Variant Classification Process June 2021. Collection method: clinical testing. Allele origin: germline. Affected: yes.
Comment: Not observed at significant frequency in large population cohorts (gnomAD); In silico analysis supports that this missense variant has a deleterious effect on protein structure/function; Has not been previously published as pathogenic or benign to our knowledge